The following is an entry in ClinVar:

ClinVar aggregate classification (germline): Uncertain significance (1 of 4 stars; one submission).

Conditions:
Ehlers-Danlos syndrome, classic type, 1 (EDSCL1). Also called: EHLERS-DANLOS SYNDROME, GRAVIS TYPE; EHLERS-DANLOS SYNDROME, SEVERE CLASSIC TYPE; EDS I; Ehlers-Danlos Syndrome, Classic Type, COL5A1-Related; Ehlers-Danlos syndrome, type 1. Identifiers: MedGen C0268335, MONDO:0019567, OMIM 130000.

Submission:

Baylor Genetics
Classification: Uncertain significance for Ehlers-Danlos syndrome, classic type, 1. Last evaluated: 2018-07-29. Review status: criteria provided, single submitter. Criteria: ACMG Guidelines, 2015. Collection method: clinical testing. Allele origin: paternal. Affected: yes.
Comment: This variant was determined to be of uncertain significance according to ACMG Guidelines, 2015 [PMID:25741868].

NM_000093.5(COL5A1):c.3196G>A (p.Gly1066Ser)

Gene: COL5A1 (collagen type V alpha 1 chain; plus strand). Cytogenetic location: 9q34.3.
Variant type: single nucleotide variant.
Coding change: c.3196G>A on transcript NM_000093.5 (MANE Select); coding-DNA position 3196, G replaced by A.
Protein change: p.Gly1066Ser; replaces glycine 1066 with serine.
Molecular consequence: missense variant.
Genome position (GRCh38, 1-based): chr9:134,805,056, G>A. VCF-style: chr9-134805056-G-A. GRCh37 (hg19) VCF-style: chr9-137696902-G-A.
Other names: c.3196G>A, p.Gly1066Ser (NM_001278074.1); short protein forms G1066S.
Identifiers: ClinVar variation 1031390 (VCV001031390.1), dbSNP rs1838247641, ClinGen allele CA375450625.